The following is an entry in ClinVar:

ClinVar aggregate classification (germline): Uncertain significance (1 of 4 stars; one submission).

Allele frequency attached by ClinVar (database versions not stated): ExAC 0.00001; gnomAD exomes 0.00001; TOPMed 0.00001; gnomAD 0.00003.
gnomAD v4.1: 25 of 1,613,196 alleles (0.0015%); highest among the groups gnomAD compares: African/African-American, 0.0053%; no homozygotes.

Submission:

Labcorp Genetics (formerly Invitae), Labcorp
Classification: Uncertain significance. Last evaluated: 2022-11-20. Review status: criteria provided, single submitter. Criteria: Invitae Variant Classification Sherloc (09022015). Collection method: clinical testing. Allele origin: germline.
Comment: This variant is present in population databases (rs759713687, gnomAD 0.008%). In summary, the available evidence is currently insufficient to determine the role of this variant in disease. Therefore, it has been classified as a Variant of Uncertain Significance. Advanced modeling of protein sequence and biophysical properties (such as structural, functional, and spatial information, amino acid conservation, physicochemical variation, residue mobility, and thermodynamic stability) performed at Invitae indicates that this missense variant is expected to disrupt MYH7B protein function. This variant has not been reported in the literature in individuals affected with MYH7B-related conditions. This sequence change replaces phenylalanine, which is neutral and non-polar, with leucine, which is neutral and non-polar, at codon 758 of the MYH7B protein (p.Phe758Leu).

NM_020884.7(MYH7B):c.2146T>C (p.Phe716Leu)

Gene: MYH7B (myosin heavy chain 7B; plus strand). Cytogenetic location: 20q11.22.
Variant type: single nucleotide variant.
Coding change: c.2146T>C on transcript NM_020884.7 (MANE Select); coding-DNA position 2146, T replaced by C.
Protein change: p.Phe716Leu; replaces phenylalanine 716 with leucine.
Molecular consequence: missense variant.
Genome position (GRCh38, 1-based): chr20:34,991,084, T>C. VCF-style: chr20-34991084-T-C. GRCh37 (hg19) VCF-style: chr20-33578887-T-C.
Other names: short protein forms F716L.
Identifiers: ClinVar variation 2975330 (VCV002975330.3), dbSNP rs759713687, ClinGen allele CA9827237.